The following is an entry in ClinVar:

ClinVar aggregate classification (germline): Uncertain significance. Review status: criteria provided, multiple submitters, no conflicts (2 of 4 stars). 3 submissions from 3 submitters: Uncertain significance (3). Last evaluated 2022-11-15.

Conditions:
Bardet-Biedl syndrome (BBS). Identifiers: Orphanet 110, MedGen C0752166, MONDO:0015229.

Allele frequency attached by ClinVar (database versions not stated): TOPMed below 0.00001.
gnomAD v4.1: 3 of 1,613,322 alleles (0.00019%); highest among the groups gnomAD compares: Non-Finnish European, 0.00025%; no homozygotes.

Submissions (3):

Revvity Omics, Revvity
Classification: Uncertain significance. Last evaluated: 2022-11-15. Review status: criteria provided, single submitter. Criteria: ACMG Guidelines, 2015. Collection method: clinical testing. Allele origin: germline.

Labcorp Genetics (formerly Invitae), Labcorp
Classification: Uncertain significance for Bardet-Biedl syndrome. Last evaluated: 2022-07-20. Review status: criteria provided, single submitter. Criteria: Invitae Variant Classification Sherloc (09022015). Collection method: clinical testing. Allele origin: germline.
Comment: This variant is not present in population databases (gnomAD no frequency). In summary, the available evidence is currently insufficient to determine the role of this variant in disease. Therefore, it has been classified as a Variant of Uncertain Significance. Algorithms developed to predict the effect of missense changes on protein structure and function (SIFT, PolyPhen-2, Align-GVGD) all suggest that this variant is likely to be tolerated. This variant has not been reported in the literature in individuals affected with TRIM32-related conditions. This sequence change replaces isoleucine, which is neutral and non-polar, with valine, which is neutral and non-polar, at codon 590 of the TRIM32 protein (p.Ile590Val).

Blueprint Genetics
Classification: Uncertain significance. Last evaluated: 2019-03-07. Review status: criteria provided, single submitter. Criteria: ACMG Guidelines, 2015. Collection method: clinical testing. Allele origin: germline.

NM_012210.4(TRIM32):c.1768A>G (p.Ile590Val)

Genes: ASTN2 (astrotactin 2; minus strand), TRIM32 (tripartite motif containing 32; plus strand). Cytogenetic location: 9q33.1.
Variant type: single nucleotide variant.
Coding change: c.1768A>G on transcript NM_012210.4 (MANE Select); coding-DNA position 1768, A replaced by G.
Protein change: p.Ile590Val; replaces isoleucine 590 with valine.
Molecular consequence: missense variant. On other transcripts: intron variant (3).
Genome position (GRCh38, 1-based): chr9:116,699,510, A>G. VCF-style: chr9-116699510-A-G. GRCh37 (hg19) VCF-style: chr9-119461789-A-G.
Other names: c.1768A>G, p.Ile590Val (NM_001099679.2, NM_001379048.1, NM_001379049.1 and 1 more transcripts); c.2653+26261T>C (NM_014010.5); c.2794+26261T>C (NM_001365069.1); c.2806+26261T>C (NM_001365068.1); short protein forms I590V.
Identifiers: ClinVar variation 2124970 (VCV002124970.6), dbSNP rs768741902, ClinGen allele CA198771418.